The following is an entry in ClinVar:

ClinVar aggregate classification (germline): Likely pathogenic. Review status: criteria provided, multiple submitters, no conflicts (2 of 4 stars). 2 submissions from 2 submitters: Likely pathogenic (2). Last evaluated 2024-06-02.

Conditions:
COMP-related disorder. Also called: COMP-related condition; COMP-related disorders.

Submissions (2):

Labcorp Genetics (formerly Invitae), Labcorp
Classification: Likely pathogenic. Last evaluated: 2024-06-02. Review status: criteria provided, single submitter. Criteria: Invitae Variant Classification Sherloc (09022015). Collection method: clinical testing. Allele origin: germline.
Comment: This sequence change replaces cysteine, which is neutral and slightly polar, with glycine, which is neutral and non-polar, at codon 484 of the COMP protein (p.Cys484Gly). This variant is not present in population databases (gnomAD no frequency). This missense change has been observed in individuals with pseudoachondroplasia (PMID: 12483304, 24070816; Invitae). Advanced modeling of protein sequence and biophysical properties (such as structural, functional, and spatial information, amino acid conservation, physicochemical variation, residue mobility, and thermodynamic stability) performed at Invitae indicates that this missense variant is expected to disrupt COMP protein function with a positive predictive value of 80%. In summary, the currently available evidence indicates that the variant is pathogenic, but additional data are needed to prove that conclusively. Therefore, this variant has been classified as Likely Pathogenic.

Blueprint Genetics
Classification: Likely pathogenic for COMP-related disorders. Last evaluated: 2020-12-17. Review status: criteria provided, single submitter. Criteria: ACMG Guidelines, 2015. Collection method: clinical testing. Allele origin: germline. Affected: yes. Observed: 1 variant allele.

Literature cited by the submitters: PubMed 12483304 (cited by Labcorp Genetics (formerly Invitae), Labcorp); PubMed 24070816 (cited by Labcorp Genetics (formerly Invitae), Labcorp).

NM_000095.3(COMP):c.1450T>G (p.Cys484Gly)

Gene: COMP (cartilage oligomeric matrix protein; minus strand). Cytogenetic location: 19p13.11.
Variant type: single nucleotide variant.
Coding change: c.1450T>G on transcript NM_000095.3 (MANE Select); coding-DNA position 1450, T replaced by G.
Protein change: p.Cys484Gly; replaces cysteine 484 with glycine.
Molecular consequence: missense variant.
Genome position (GRCh38, 1-based): chr19:18,786,004, A>C on the plus strand (T>G on the coding strand, the complement: COMP is on the minus strand). VCF-style: chr19-18786004-A-C. GRCh37 (hg19) VCF-style: chr19-18896814-A-C.
Other names: short protein forms C484G.
Identifiers: ClinVar variation 3723496 (VCV003723496.3).